The following is an entry in ClinVar:

NM_005554.4(KRT6A):c.318C>T (p.Ala106=)

Gene: KRT6A (keratin 6A; minus strand). Cytogenetic location: 12q13.13.
Variant type: single nucleotide variant.
Coding change: c.318C>T on transcript NM_005554.4 (MANE Select); coding-DNA position 318, C replaced by T.
Protein change: p.Ala106=; no amino-acid change (alanine 106 retained).
Molecular consequence: synonymous variant.
Genome position (GRCh38, 1-based): chr12:52,492,871, G>A on the plus strand (C>T on the coding strand, the complement: KRT6A is on the minus strand). VCF-style: chr12-52492871-G-A. GRCh37 (hg19) VCF-style: chr12-52886655-G-A.
Identifiers: ClinVar variation 3052154 (VCV003052154.2), dbSNP rs768654383, ClinGen allele CA237235231.

ClinVar aggregate classification (germline): Likely benign (0 of 4 stars; one submission).

Conditions:
KRT6A-related disorder. Also called: KRT6A-related condition.

Allele frequency attached by ClinVar (database versions not stated): TOPMed 0.00003.

Submission:

PreventionGenetics, part of Exact Sciences
Classification: Likely benign for KRT6A-related condition. Last evaluated: 2020-01-16. Review status: no assertion criteria provided. Collection method: clinical testing. Allele origin: germline.
Comment: This variant is classified as likely benign based on ACMG/AMP sequence variant interpretation guidelines (Richards et al. 2015 PMID: 25741868, with internal and published modifications).